The following is an entry in ClinVar:

NM_213655.5(WNK1):c.3490T>G (p.Ser1164Ala)

Gene: WNK1 (WNK lysine deficient protein kinase 1; plus strand). Cytogenetic location: 12p13.33.
Variant type: single nucleotide variant.
Coding change: c.3490T>G on transcript NM_213655.5 (MANE Plus Clinical); coding-DNA position 3490, T replaced by G.
Protein change: p.Ser1164Ala; replaces serine 1164 with alanine.
Molecular consequence: missense variant. On other transcripts: intron variant (2).
Genome position (GRCh38, 1-based): chr12:868,961, T>G. VCF-style: chr12-868961-T-G. GRCh37 (hg19) VCF-style: chr12-978127-T-G.
Other names: c.3235T>G, p.Ser1079Ala (NM_001184985.2); c.2140-2304T>G (NM_018979.4, NM_014823.3); short protein forms S1079A, S1164A.
Identifiers: ClinVar variation 957830 (VCV000957830.9), dbSNP rs759576791, ClinGen allele CA231499930.

ClinVar aggregate classification (germline): Uncertain significance (1 of 4 stars; one submission).

Conditions:
Neuropathy, hereditary sensory and autonomic, type 2A (HSAN2A). Also called: ACROOSTEOLYSIS, GIACCAI TYPE; ACROOSTEOLYSIS, NEUROGENIC; WNK1-Related HSAN2 (HSAN2A); HSAN IIA; MORVAN DISEASE; NEUROPATHY, CONGENITAL SENSORY. Identifiers: Orphanet 970, MedGen C2752089, MONDO:0024309, OMIM 201300.
Pseudohypoaldosteronism type 2C (PHA2C). Also called: Pseudohypoaldosteronism Type IIC. Identifiers: Orphanet 757, Orphanet 88940, MedGen C1840391, MONDO:0013778, OMIM 614492.

Allele frequency attached by ClinVar (database versions not stated): gnomAD exomes 0.00002.
gnomAD v4.1: 14 of 1,589,524 alleles (0.00088%); highest among the groups gnomAD compares: Non-Finnish European, 0.0012%; no homozygotes.

Submission:

Labcorp Genetics (formerly Invitae), Labcorp
Classification: Uncertain significance for Neuropathy, hereditary sensory and autonomic, type 2A; Pseudohypoaldosteronism type 2C. Last evaluated: 2023-06-30. Review status: criteria provided, single submitter. Criteria: Invitae Variant Classification Sherloc (09022015). Collection method: clinical testing. Allele origin: germline.
Comment: In summary, the available evidence is currently insufficient to determine the role of this variant in disease. Therefore, it has been classified as a Variant of Uncertain Significance. Advanced modeling of protein sequence and biophysical properties (such as structural, functional, and spatial information, amino acid conservation, physicochemical variation, residue mobility, and thermodynamic stability) performed at Invitae indicates that this missense variant is not expected to disrupt WNK1 protein function. ClinVar contains an entry for this variant (Variation ID: 957830). This variant has not been reported in the literature in individuals affected with WNK1-related conditions. This variant is not present in population databases (gnomAD no frequency). This sequence change replaces serine, which is neutral and polar, with alanine, which is neutral and non-polar, at codon 1164 of the WNK1 protein (p.Ser1164Ala).